The following is an entry in ClinVar:

NM_014974.3(DIP2C):c.2969C>T (p.Thr990Met)

Gene: DIP2C (DIP2 acetate--CoA ligase C (putative); minus strand). Cytogenetic location: 10p15.3.
Variant type: single nucleotide variant.
Coding change: c.2969C>T on transcript NM_014974.3 (MANE Select); coding-DNA position 2969, C replaced by T.
Protein change: p.Thr990Met; replaces threonine 990 with methionine.
Molecular consequence: missense variant.
Genome position (GRCh38, 1-based): chr10:356,442, G>A on the plus strand (C>T on the coding strand, the complement: DIP2C is on the minus strand). VCF-style: chr10-356442-G-A. GRCh37 (hg19) VCF-style: chr10-402382-G-A.
Other names: short protein forms T990M.
Identifiers: ClinVar variation 2075295 (VCV002075295.4), dbSNP rs771478891, ClinGen allele CA5380239.

ClinVar aggregate classification (germline): Uncertain significance (1 of 4 stars; one submission).

Allele frequency attached by ClinVar (database versions not stated): gnomAD 0.00001; gnomAD exomes 0.00002; TOPMed 0.00002; ExAC 0.00004.
gnomAD v4.1: 28 of 1,611,718 alleles (0.0017%); highest among the groups gnomAD compares: Admixed American, 0.025%; no homozygotes.

Submission:

Labcorp Genetics (formerly Invitae), Labcorp
Classification: Uncertain significance. Last evaluated: 2026-01-28. Review status: criteria provided, single submitter. Criteria: Invitae Variant Classification Sherloc (09022015). Collection method: clinical testing. Allele origin: germline.
Comment: This sequence change replaces threonine, which is neutral and polar, with methionine, which is neutral and non-polar, at codon 990 of the DIP2C protein (p.Thr990Met). This variant is present in population databases (rs771478891, gnomAD 0.04%), and has an allele count higher than expected for a pathogenic variant. This variant has not been reported in the literature in individuals affected with DIP2C-related conditions. ClinVar contains an entry for this variant (Variation ID: 2075295). An algorithm developed to predict the effect of missense changes on protein structure and function (PolyPhen-2) suggests that this variant is likely to be disruptive. In summary, the available evidence is currently insufficient to determine the role of this variant in disease. Therefore, it has been classified as a Variant of Uncertain Significance.